The following is an entry in ClinVar:

ClinVar aggregate classification (germline): Pathogenic (1 of 4 stars; one submission).

Conditions:
GLI3-related disorder. Also called: GLI3-related disorders; GLI3-related condition. Identifiers: MedGen CN239292.

Submission:

PreventionGenetics, part of Exact Sciences
Classification: Pathogenic for GLI3-related condition. Last evaluated: 2025-04-17. Review status: criteria provided, single submitter. Criteria: ACMG Guidelines, 2015. Collection method: clinical testing. Allele origin: germline.
Comment: The GLI3 c.3872delG variant is predicted to result in a frameshift and premature protein termination (p.Gly1291Alafs*3). To our knowledge, this variant has not been reported in the literature or in a large population database, indicating this variant is rare. At PreventionGenetics, this variant was found in several patients tested for GLI3-related disorder (Internal Data). Frameshift variants in GLI3 are expected to be pathogenic. This variant is interpreted as pathogenic.

NM_000168.6(GLI3):c.3872del (p.Gly1291fs)

Gene: GLI3 (GLI family zinc finger 3; minus strand). Cytogenetic location: 7p14.1.
Variant type: Deletion.
Coding change: c.3872del on transcript NM_000168.6 (MANE Select); coding-DNA position 3872, one base deleted (G; older notation c.3872delG).
Protein change: p.Gly1291fs; shifts the reading frame from glycine 1291.
Molecular consequence: frameshift variant.
Genome position (GRCh38, 1-based): chr7:41,965,201, C deleted on the plus strand (G on the coding strand, the reverse complement: GLI3 is on the minus strand); the first of 5 consecutive C bases (chr7:41,965,201-41,965,205); deleting any one gives the same sequence. VCF-style (leftmost placement, unchanged base first): chr7-41965200-GC-G. GRCh37 (hg19) VCF-style: chr7-42004798-GC-G.
Other names: short protein forms G1291fs.
Identifiers: ClinVar variation 3348550 (VCV003348550.2).